The following is an entry in ClinVar:

ClinVar aggregate classification (germline): Benign (1 of 4 stars; one submission).

Conditions:
Familial adenomatous polyposis 1 (FAP1). Also called: POLYPOSIS, ADENOMATOUS INTESTINAL; FAMILIAL ADENOMATOUS POLYPOSIS 1, ATTENUATED. Identifiers: MedGen C2713442, MONDO:0021056, OMIM 175100. Disease mechanism: loss of function.

Submission:

Myriad Genetics, Inc.
Classification: Benign for Familial adenomatous polyposis 1. Last evaluated: 2024-03-18. Review status: criteria provided, single submitter. Criteria: Myriad Autosomal Dominant, Autosomal Recessive and X-Linked Classification Criteria (2023). Collection method: clinical testing. Allele origin: unknown.
Comment: This variant is considered benign. This variant is a silent/synonymous amino acid change and it is not expected to impact splicing.

NM_000038.6(APC):c.3171A>G (p.Glu1057=)

Gene: APC (APC regulator of Wnt signaling pathway; plus strand). Cytogenetic location: 5q22.2.
Variant type: single nucleotide variant.
Coding change: c.3171A>G on transcript NM_000038.6 (MANE Select); coding-DNA position 3171, A replaced by G.
Protein change: p.Glu1057=; no amino-acid change (glutamic acid 1057 retained).
Molecular consequence: synonymous variant. On other transcripts: non-coding transcript variant (2).
Genome position (GRCh38, 1-based): chr5:112,838,765, A>G. VCF-style: chr5-112838765-A-G. GRCh37 (hg19) VCF-style: chr5-112174462-A-G.
Other names: c.3171A>G, p.Glu1057= (NM_001127510.3, NM_001354895.2, NM_001407450.1); c.3117A>G, p.Glu1039= (NM_001127511.3); c.3225A>G, p.Glu1075= (NM_001354896.2, NM_001407447.1, NM_001407448.1 and 1 more transcripts); c.3201A>G, p.Glu1067= (NM_001354897.2); c.3096A>G, p.Glu1032= (NM_001354898.2); c.3087A>G, p.Glu1029= (NM_001354899.2); c.3048A>G, p.Glu1016= (NM_001354900.2); c.2994A>G, p.Glu998= (NM_001354901.2, NM_001407453.1); and 11 more.
Identifiers: ClinVar variation 3148808 (VCV003148808.1), dbSNP rs2149885961, ClinGen allele CA445963215.
Genomic context (GRCh38, chr5:112,838,765, plus strand): 5'-CTCTGGAAGGCAAAGTCCTTCACAGAATGAAAGATGGGCAAGACCCAAACACATAATAGA[A>G]GATGAAATAAAACAAAGTGAGCAAAGACAATCAAGGAATCAAAGTACAACTTATCCTGTT-3'
Protein context (NP_000029.2, residues 1047-1067): ERWARPKHII[Glu1057=]DEIKQSEQRQ